The following is an entry in ClinVar:

ClinVar aggregate classification (germline): Uncertain significance (1 of 4 stars; one submission).

Submission:

Labcorp Genetics (formerly Invitae), Labcorp
Classification: Uncertain significance. Last evaluated: 2022-07-12. Review status: criteria provided, single submitter. Criteria: Invitae Variant Classification Sherloc (09022015). Collection method: clinical testing. Allele origin: germline.
Comment: This sequence change falls in intron 35 of the COL18A1 gene. It does not directly change the encoded amino acid sequence of the COL18A1 protein. This variant is not present in population databases (gnomAD no frequency). This variant has not been reported in the literature in individuals affected with COL18A1-related conditions. Algorithms developed to predict the effect of sequence changes on RNA splicing suggest that this variant may disrupt the consensus splice site. In summary, the available evidence is currently insufficient to determine the role of this variant in disease. Therefore, it has been classified as a Variant of Uncertain Significance.

NM_001379500.1(COL18A1):c.3013+14_3013+20del

Genes: COL18A1 (collagen type XVIII alpha 1 chain; plus strand), SLC19A1 (solute carrier family 19 member 1; minus strand). Cytogenetic location: 21q22.3.
Variant type: Deletion.
Coding change: c.3013+14_3013+20del on transcript NM_001379500.1 (MANE Select); bases 14 to 20 of the intron after coding-DNA position 3013, 7 bases deleted (GAGTGGG; older notation c.3013+14_3013+20delGAGTGGG).
Molecular consequence: intron variant.
Genome position (GRCh38, 1-based): chr21:45,505,292-45,505,298, GAGTGGG deleted; deleting any 7 consecutive bases within chr21:45,505,286-45,505,298 gives the same sequence; the c. name uses the placement nearest the transcript's 3' end. VCF-style (leftmost placement, unchanged base first): chr21-45505285-CAGTGGGG-C. GRCh37 (hg19) VCF-style: chr21-46925199-CAGTGGGG-C.
Other names: c.4258+14_4258+20del (NM_130444.3); c.3553+14_3553+20del (NM_030582.4).
Identifiers: ClinVar variation 2183697 (VCV002183697.1), dbSNP rs1409081881, ClinGen allele CA410499659.
Genomic context (GRCh38, chr21:45,505,285, plus strand): 5'-CCGGCCCCCCAGGCCCCCCAGGGCCCCCTTCATTTCCTGGCCCTCACAGGCAGAGTAAGT[CAGTGGGG>C]AGTGGGCCCCGGGCAGAGGCCGCCTCGTGTGGCTTCGTGTTCCCACCTTGGTTTCTCTCC-3'